The following is an entry in ClinVar:

ClinVar aggregate classification (germline): Pathogenic. Review status: criteria provided, multiple submitters, no conflicts (2 of 4 stars). 2 submissions from 2 submitters: Pathogenic (2). Last evaluated 2023-06-16.

Conditions:
Parathyroid carcinoma (PRTC). Also called: CDC73-Related Parathyroid Carcinoma; Parathyroid gland carcinoma. Identifiers: Orphanet 143, MedGen C0687150, MONDO:0012004, OMIM 608266, HP:0006780.
Hyperparathyroidism 1 (HRPT1). Also called: HYPERPARATHYROIDISM, FAMILIAL ISOLATED PRIMARY. Identifiers: Orphanet 99879, MedGen C1840402, MONDO:0007767, OMIM 145000.

Submissions (2):

Baylor Genetics
Classification: Pathogenic for Hyperparathyroidism 1. Last evaluated: 2023-06-16. Review status: criteria provided, single submitter. Criteria: ACMG Guidelines, 2015. Collection method: clinical testing. Allele origin: unknown.

Labcorp Genetics (formerly Invitae), Labcorp
Classification: Pathogenic for Parathyroid carcinoma. Last evaluated: 2021-12-01. Review status: criteria provided, single submitter. Criteria: Invitae Variant Classification Sherloc (09022015). Collection method: clinical testing. Allele origin: germline.
Comment: For these reasons, this variant has been classified as Pathogenic. This premature translational stop signal has been observed in individual(s) with parathyroid carcinoma (PMID: 23029104, 32590342). This variant is not present in population databases (gnomAD no frequency). This sequence change creates a premature translational stop signal (p.Lys209Argfs*9) in the CDC73 gene. It is expected to result in an absent or disrupted protein product. Loss-of-function variants in CDC73 are known to be pathogenic (PMID: 12434154).

Literature cited by the submitters: PubMed 23029104 (cited by Labcorp Genetics (formerly Invitae), Labcorp); PubMed 32590342 (cited by Labcorp Genetics (formerly Invitae), Labcorp); PubMed 12434154 (cited by Labcorp Genetics (formerly Invitae), Labcorp).

NM_024529.5(CDC73):c.626_629del (p.Lys209fs)

Gene: CDC73 (cell division cycle 73; plus strand). Cytogenetic location: 1q31.2.
Variant type: Deletion.
Coding change: c.626_629del on transcript NM_024529.5 (MANE Select); coding-DNA positions 626 to 629, 4 bases deleted (AACA; older notation c.626_629delAACA).
Protein change: p.Lys209fs; shifts the reading frame from lysine 209.
Molecular consequence: frameshift variant.
Genome position (GRCh38, 1-based): chr1:193,141,963-193,141,966, AACA deleted; deleting any 4 consecutive bases within chr1:193,141,962-193,141,966 gives the same sequence; the c. name uses the placement nearest the transcript's 3' end. VCF-style (leftmost placement, unchanged base first): chr1-193141961-TAAAC-T. GRCh37 (hg19) VCF-style: chr1-193111091-TAAAC-T.
Other names: short protein forms K209fs.
Identifiers: ClinVar variation 1457825 (VCV001457825.7), dbSNP rs2103126261, ClinGen allele CA2573131381.